The following is an entry in ClinVar:

NM_015178.3(RHOBTB2):c.1088G>A (p.Arg363His)

Gene: RHOBTB2 (Rho related BTB domain containing 2; plus strand). Cytogenetic location: 8p21.3.
Variant type: single nucleotide variant.
Coding change: c.1088G>A on transcript NM_015178.3 (MANE Select); coding-DNA position 1088, G replaced by A.
Protein change: p.Arg363His; replaces arginine 363 with histidine.
Molecular consequence: missense variant.
Genome position (GRCh38, 1-based): chr8:23,007,333, G>A. VCF-style: chr8-23007333-G-A. GRCh37 (hg19) VCF-style: chr8-22864846-G-A.
Other names: c.1154G>A (NM_001160036.1); c.1154G>A, p.Arg385His (NM_001160036.2); c.1109G>A, p.Arg370His (NM_001160037.2); c.1088G>A, p.Arg363His (NM_001374791.1); short protein forms R363H, R370H, R385H.
Identifiers: ClinVar variation 2908475 (VCV002908475.6), dbSNP rs141884602, ClinGen allele CA4672600.

ClinVar aggregate classification (germline): Benign/Likely benign. Review status: criteria provided, multiple submitters, no conflicts (2 of 4 stars). 2 submissions from 2 submitters: Benign (1); Likely benign (1). Last evaluated 2025-10-14.

Conditions:
RHOBTB2-related disorder. Also called: RHOBTB2-related condition.

Allele frequency attached by ClinVar (database versions not stated): gnomAD 0.00003; ESP Exome Variant Server 0.00015.

Submissions (2):

PreventionGenetics, part of Exact Sciences
Classification: Likely benign for RHOBTB2-related condition. Last evaluated: 2025-10-14. Review status: criteria provided, single submitter. Criteria: ACMG Guidelines, 2015. Collection method: clinical testing. Allele origin: germline.
Comment: This variant is classified as likely benign based on ACMG/AMP sequence variant interpretation guidelines (Richards et al. 2015 PMID: 25741868, with internal and published modifications).

Labcorp Genetics (formerly Invitae), Labcorp
Classification: Benign. Last evaluated: 2024-06-09. Review status: criteria provided, single submitter. Criteria: Invitae Variant Classification Sherloc (09022015). Collection method: clinical testing. Allele origin: germline.